The following is an entry in ClinVar:

ClinVar aggregate classification (germline): Benign (1 of 4 stars; one submission).

Conditions:
Ehlers-Danlos syndrome, classic type, 2 (EDSCL2). Also called: Ehlers-Danlos syndrome, type 2; Ehlers-Danlos syndrome type 2 (formerly); Ehlers-Danlos Syndrome, Classic Type, COL5A2-Related. Identifiers: Orphanet 287, Orphanet 90318, MedGen C0268336, MONDO:0019568, OMIM 130010.

Allele frequency attached by ClinVar (database versions not stated): gnomAD 0.00030 and 0.00032; 1000 Genomes Project 30x 0.00047; TOPMed 0.00053; gnomAD exomes 0.00006; 1000 Genomes Project 0.00040.

Submission:

Illumina Laboratory Services, Illumina
Classification: Benign for Ehlers-Danlos syndrome, classic type, 2. Last evaluated: 2018-01-13. Review status: criteria provided, single submitter. Criteria: ICSL Variant Classification Criteria 13 December 2019. Collection method: clinical testing. Allele origin: germline.
Comment: This variant was observed in the ICSL laboratory as part of a predisposition screen in an ostensibly healthy population. It had not been previously curated by ICSL or reported in the Human Gene Mutation Database (HGMD: prior to June 1st, 2018), and was therefore a candidate for classification through an automated scoring system. Utilizing variant allele frequency, disease prevalence and penetrance estimates, and inheritance mode, an automated score was calculated to assess if this variant is too frequent to cause the disease. Based on the score and internal cut-off values, a variant classified as benign is not then subjected to further curation. The score for this variant resulted in a classification of benign for this disease.

NM_000393.5(COL5A2):c.*446G>A

Gene: COL5A2 (collagen type V alpha 2 chain; minus strand). Cytogenetic location: 2q32.2.
Variant type: single nucleotide variant.
Coding change: c.*446G>A on transcript NM_000393.5 (MANE Select); 446 bases downstream of the stop codon, G replaced by A.
Molecular consequence: 3 prime UTR variant.
Genome position (GRCh38, 1-based): chr2:189,033,624, C>T on the plus strand (G>A on the coding strand, the complement: COL5A2 is on the minus strand). VCF-style: chr2-189033624-C-T. GRCh37 (hg19) VCF-style: chr2-189898350-C-T.
Identifiers: ClinVar variation 333121 (VCV000333121.6), dbSNP rs570467727, ClinGen allele CA10611783.